The following is an entry in ClinVar:

ClinVar aggregate classification (germline): Conflicting classifications of pathogenicity. Review status: criteria provided, conflicting classifications (1 of 4 stars). 6 submissions from 6 submitters: Uncertain significance (4); Likely benign (1). 1 of the submissions does not count toward it. Last evaluated 2025-10-25.

Conditions:
Fanconi anemia complementation group J. Also called: BRIP1-Related Fanconi Anemia. Identifiers: Orphanet 84, MedGen C1836860, MONDO:0012187, OMIM 609054.
Familial cancer of breast. Also called: Hereditary breast cancer; hereditary breast carcinoma; BREAST CANCER, FAMILIAL. Identifiers: Orphanet 227535, MedGen C0346153, MONDO:0016419, OMIM 114480. Disease mechanism: loss of function.
Hereditary cancer-predisposing syndrome. Also called: Hereditary Cancer Syndrome; Neoplastic Syndromes, Hereditary; Tumor predisposition; Hereditary neoplastic syndrome. Identifiers: Orphanet 140162, MedGen C0027672, MeSH D009386, MONDO:0015356.

Allele frequency attached by ClinVar (database versions not stated): gnomAD exomes 0.00002; ExAC 0.00003.
gnomAD v4.1: 10 of 1,613,690 alleles (0.00062%); highest among the groups gnomAD compares: East Asian, 0.022%; no homozygotes.

Submissions (6):

Ambry Genetics
Classification: Uncertain significance for Hereditary cancer-predisposing syndrome. Last evaluated: 2025-10-25. Review status: criteria provided, single submitter. Criteria: Ambry Variant Classification Scheme 2023. Collection method: clinical testing. Allele origin: germline.
Comment: The p.N852D variant (also known as c.2554A>G), located in coding exon 17 of the BRIP1 gene, results from an A to G substitution at nucleotide position 2554. The asparagine at codon 852 is replaced by aspartic acid, an amino acid with highly similar properties. This alteration has been reported with a carrier frequency of 0.00026 in 7636 unselected prostate cancer patients and 0.00081 in 12366 male controls of Japanese ancestry (Momozawa Y et al. J. Natl. Cancer Inst., 2019 Jun;:). This amino acid position is highly conserved in available vertebrate species. In addition, this alteration is predicted to be tolerated by in silico analysis. Since supporting evidence is limited at this time, the clinical significance of this alteration remains unclear.

Labcorp Genetics (formerly Invitae), Labcorp
Classification: Uncertain significance for Familial cancer of breast; Fanconi anemia complementation group J. Last evaluated: 2025-08-07. Review status: criteria provided, single submitter. Criteria: Invitae Variant Classification Sherloc (09022015). Collection method: clinical testing. Allele origin: germline.
Comment: This sequence change replaces asparagine, which is neutral and polar, with aspartic acid, which is acidic and polar, at codon 852 of the BRIP1 protein (p.Asn852Asp). This variant is present in population databases (rs745782331, gnomAD 0.02%). This missense change has been observed in individual(s) with prostate cancer (PMID: 31214711). ClinVar contains an entry for this variant (Variation ID: 232278). Invitae Evidence Modeling of protein sequence and biophysical properties (such as structural, functional, and spatial information, amino acid conservation, physicochemical variation, residue mobility, and thermodynamic stability) indicates that this missense variant is not expected to disrupt BRIP1 protein function with a negative predictive value of 95%. In summary, the available evidence is currently insufficient to determine the role of this variant in disease. Therefore, it has been classified as a Variant of Uncertain Significance.

Color Diagnostics, LLC DBA Color Health
Classification: Likely benign for Hereditary cancer-predisposing syndrome. Last evaluated: 2025-04-16. Review status: criteria provided, single submitter. Criteria: ACMG Guidelines, 2015. Collection method: clinical testing. Allele origin: germline.

3billion
Classification: Uncertain significance for Familial cancer of breast. Last evaluated: 2025-02-21. Review status: criteria provided, single submitter. Criteria: ACMG Guidelines, 2015. Collection method: clinical testing. Allele origin: germline. Affected: yes.
Comment: The variant is observed at an extremely low frequency in the gnomAD v4.1.0 dataset (total allele frequency: <0.001%). Predicted Consequence/Location: Missense variant. The majority of the known disease-causing variants of this gene are variants expected to result in premature termination of the protein. Damaging effect on gene or gene product predicted by in silico programs is uncertain [REVEL: 0.35 (damaging >=0.6, benign <0.4), 3Cnet: 0.29 (damaging >=0.6, benign <0.15)]. The variant has been reported as of uncertain significance (ClinVar ID: VCV000232278; PMID: 36243179; 3billion dataset). Different missense changes at the same codon have been reported as of uncertain significance (ClinVar ID: VCV000850527, VCV002945247). Therefore, this variant is classified as VUS according to the recommendation of ACMG/AMP guideline.

Quest Diagnostics Nichols Institute San Juan Capistrano
Classification: Uncertain significance. Last evaluated: 2024-02-13. Review status: criteria provided, single submitter. Criteria: Quest Diagnostics criteria. Collection method: clinical testing. Allele origin: unknown.
Comment: The BRIP1 c.2554A>G (p.Asn852Asp) variant has been reported in the published literature in individuals with breast cancer (PMID: 36243179 (2022), 33471991 (2021), see also LOVD). This variant has also been identified in reportedly healthy individuals (PMID: 36243179 (2022), 33471991 (2021), 31214711 (2020), see also LOVD). The frequency of this variant in the general population, 0.00022 (4/18394 chromosomes (Genome Aggregation Database)), is uninformative in the assessment of its pathogenicity. Analysis of this variant using bioinformatics tools for the prediction of the effect of amino acid changes on protein structure and function yielded conflicting predictions that this variant is benign or damaging. Based on the available information, we are unable to determine the clinical significance of this variant.

Leiden Open Variation Database
Classification: Uncertain significance. Last evaluated: 2019-08-13. Review status: no assertion criteria provided. Collection method: curation. Allele origin: germline. Affected: yes. Not counted in ClinVar's aggregate classification.
Comment: Curator: Arleen D. Auerbach. Submitter to LOVD: Yukihide Momozawa.

Literature cited by the submitters: PubMed 31214711 (cited by 4 submitters); PubMed 36243179 (cited by Quest Diagnostics Nichols Institute San Juan Capistrano); PubMed 33471991 (cited by Quest Diagnostics Nichols Institute San Juan Capistrano).

NM_032043.3(BRIP1):c.2554A>G (p.Asn852Asp)

Gene: BRIP1 (BRCA1 interacting DNA helicase 1; minus strand). Cytogenetic location: 17q23.2.
Variant type: single nucleotide variant.
Coding change: c.2554A>G on transcript NM_032043.3 (MANE Select); coding-DNA position 2554, A replaced by G.
Protein change: p.Asn852Asp; replaces asparagine 852 with aspartic acid.
Molecular consequence: missense variant.
Genome position (GRCh38, 1-based): chr17:61,693,451, T>C on the plus strand (A>G on the coding strand, the complement: BRIP1 is on the minus strand). VCF-style: chr17-61693451-T-C. GRCh37 (hg19) VCF-style: chr17-59770812-T-C.
Other names: short protein forms N852D.
Identifiers: ClinVar variation 232278 (VCV000232278.25), dbSNP rs745782331, ClinGen allele CA8690490.